The following is an entry in ClinVar:

ClinVar aggregate classification (germline): Uncertain significance. Review status: criteria provided, multiple submitters, no conflicts (2 of 4 stars). 2 submissions from 2 submitters: Uncertain significance (2). Last evaluated 2025-02-27.

Conditions:
Long QT syndrome (LQTS). Identifiers: MedGen C0023976, MeSH D008133, MONDO:0002442. Disease mechanism: loss of function. Inheritance: Various modes of inheritance.

Allele frequency attached by ClinVar (database versions not stated): gnomAD 0.00001; TOPMed 0.00001; ExAC 0.00002; gnomAD exomes 0.00002.
gnomAD v4.1: 35 of 1,613,898 alleles (0.0022%); highest among the groups gnomAD compares: South Asian, 0.036%; no homozygotes.

Submissions (2):

GeneDx
Classification: Uncertain significance. Last evaluated: 2025-02-27. Review status: criteria provided, single submitter. Criteria: GeneDx Variant Classification Process June 2021. Collection method: clinical testing. Allele origin: germline. Affected: yes.
Comment: In silico analysis indicates that this missense variant does not alter protein structure/function; Has not been previously published as pathogenic or benign to our knowledge

Labcorp Genetics (formerly Invitae), Labcorp
Classification: Uncertain significance for Long QT syndrome. Last evaluated: 2024-09-04. Review status: criteria provided, single submitter. Criteria: Invitae Variant Classification Sherloc (09022015). Collection method: clinical testing. Allele origin: germline.
Comment: This sequence change replaces glutamic acid, which is acidic and polar, with lysine, which is basic and polar, at codon 2118 of the ANK2 protein (p.Glu2118Lys). This variant is present in population databases (rs777615903, gnomAD 0.04%). This variant has not been reported in the literature in individuals affected with ANK2-related conditions. An algorithm developed to predict the effect of missense changes on protein structure and function (PolyPhen-2) suggests that this variant is likely to be tolerated. In summary, the available evidence is currently insufficient to determine the role of this variant in disease. Therefore, it has been classified as a Variant of Uncertain Significance.

NM_001148.6(ANK2):c.6352G>A (p.Glu2118Lys)

Genes: ANK2 (ankyrin 2; plus strand), LOC126807136 (MED14-independent group 3 enhancer GRCh37_chr4:114274931-114276130; plus strand). Cytogenetic location: 4q26.
Variant type: single nucleotide variant.
Coding change: c.6352G>A on transcript NM_001148.6 (MANE Select); coding-DNA position 6352, G replaced by A.
Protein change: p.Glu2118Lys; replaces glutamic acid 2118 with lysine.
Molecular consequence: missense variant. On other transcripts: intron variant (68).
Genome position (GRCh38, 1-based): chr4:113,354,970, G>A. VCF-style: chr4-113354970-G-A. GRCh37 (hg19) VCF-style: chr4-114276126-G-A.
Other names: c.4297+4721G>A (NM_001354272.2); c.4360+4721G>A (NM_001354244.2, NM_001354256.2, NM_001386161.1); c.4399+4721G>A (NM_001127493.3); c.4363+4721G>A (NM_001386143.1, NM_001354243.2, NM_001354255.2); c.4264+4721G>A (NM_001354262.2, NM_001354275.2, NM_001354245.2); c.4201+4721G>A (NM_001354253.2, NM_001354270.2); c.4165+4721G>A (NM_001354257.2, NM_001386156.1); c.4240+4721G>A (NM_001354249.2, NM_001354266.2, NM_001354276.2 and 2 more transcripts); and 35 more; short protein forms E2118K, E918K, E2157K, E2040K, E2165K.
Identifiers: ClinVar variation 2910164 (VCV002910164.4), dbSNP rs777615903, ClinGen allele CA3051402.